The following is an entry in ClinVar:

ClinVar aggregate classification (germline): Uncertain significance. Review status: criteria provided, multiple submitters, no conflicts (2 of 4 stars). 2 submissions from 2 submitters: Uncertain significance (2). Last evaluated 2026-01-21.

Conditions:
Inborn genetic diseases. Identifiers: MedGen C0950123, MeSH D030342.

Submissions (2):

Labcorp Genetics (formerly Invitae), Labcorp
Classification: Uncertain significance. Last evaluated: 2026-01-21. Review status: criteria provided, single submitter. Criteria: Invitae Variant Classification Sherloc (09022015). Collection method: clinical testing. Allele origin: germline.
Comment: This sequence change replaces methionine, which is neutral and non-polar, with isoleucine, which is neutral and non-polar, at codon 1747 of the MTOR protein (p.Met1747Ile). This variant is not present in population databases (gnomAD no frequency). This variant has not been reported in the literature in individuals affected with MTOR-related conditions. ClinVar contains an entry for this variant (Variation ID: 3914413). Invitae Evidence Modeling of protein sequence and biophysical properties (such as structural, functional, and spatial information, amino acid conservation, physicochemical variation, residue mobility, and thermodynamic stability) indicates that this missense variant is not expected to disrupt MTOR protein function with a negative predictive value of 95%. In summary, the available evidence is currently insufficient to determine the role of this variant in disease. Therefore, it has been classified as a Variant of Uncertain Significance.

Ambry Genetics
Classification: Uncertain significance for Inborn genetic diseases. Last evaluated: 2025-04-15. Review status: criteria provided, single submitter. Criteria: Ambry Variant Classification Scheme 2023. Collection method: clinical testing. Allele origin: germline.

NM_004958.4(MTOR):c.5241G>A (p.Met1747Ile)

Gene: MTOR (mechanistic target of rapamycin kinase; minus strand). Cytogenetic location: 1p36.22.
Variant type: single nucleotide variant.
Coding change: c.5241G>A on transcript NM_004958.4 (MANE Select); coding-DNA position 5241, G replaced by A.
Protein change: p.Met1747Ile; replaces methionine 1747 with isoleucine.
Molecular consequence: missense variant.
Genome position (GRCh38, 1-based): chr1:11,134,356, C>T on the plus strand (G>A on the coding strand, the complement: MTOR is on the minus strand). VCF-style: chr1-11134356-C-T. GRCh37 (hg19) VCF-style: chr1-11194413-C-T.
Other names: c.5241G>A, p.Met1747Ile (NM_001386500.1); c.3993G>A, p.Met1331Ile (NM_001386501.1); short protein forms M1331I, M1747I.
Identifiers: ClinVar variation 3914413 (VCV003914413.2).
Genomic context (GRCh38, chr1:11,134,356, plus strand): 5'-CTGCTGGGATGACAGGGCTGGAATATGACTTGCCCCAGGTCAGTGGGGACCTCACCGGGC[C>T]ATGAGCTTGTGCAGTTCCTGCTTATGCTGCTGGTCCTCAGTAGCGATGGCATGCTGGGCC-3'
Protein context (NP_004949.1, residues 1737-1757): QQHKQELHKL[Met1747Ile]ARCFLKLGEW